The following is an entry in ClinVar:

ClinVar aggregate classification (germline): Uncertain significance (1 of 4 stars; one submission).

Conditions:
Inborn genetic diseases. Identifiers: MedGen C0950123, MeSH D030342.

Allele frequency attached by ClinVar (database versions not stated): gnomAD exomes below 0.00001; ExAC 0.00001; gnomAD 0.00001; TOPMed 0.00003.
gnomAD v4.1: 3 of 1,600,528 alleles (0.00019%); highest among the groups gnomAD compares: African/African-American, 0.004%; no homozygotes.

Submission:

Ambry Genetics
Classification: Uncertain significance for Inborn genetic diseases. Last evaluated: 2023-06-26. Review status: criteria provided, single submitter. Criteria: Ambry Variant Classification Scheme 2023. Collection method: clinical testing. Allele origin: germline.
Comment: The c.445+4T>A intronic alteration consists of a T to A substitution 4 nucleotides after exon 4 (coding exon 3) of the TRAPPC11 gene. Based on insufficient or conflicting evidence, the clinical significance of this alteration remains unclear.

NM_021942.6(TRAPPC11):c.445+4T>A

Gene: TRAPPC11 (trafficking protein particle complex subunit 11; plus strand). Cytogenetic location: 4q35.1.
Variant type: single nucleotide variant.
Coding change: c.445+4T>A on transcript NM_021942.6 (MANE Select); 4 bases into the intron after coding-DNA position 445, T replaced by A.
Molecular consequence: intron variant.
Genome position (GRCh38, 1-based): chr4:183,667,134, T>A. VCF-style: chr4-183667134-T-A. GRCh37 (hg19) VCF-style: chr4-184588287-T-A.
Other names: c.445+4T>A (NM_199053.3).
Identifiers: ClinVar variation 2603855 (VCV002603855.2), dbSNP rs769439424, ClinGen allele CA3151575.